The following is an entry in ClinVar:

NM_006164.5(NFE2L2):c.679_681del (p.His227del)

Gene: NFE2L2 (NFE2 like bZIP transcription factor 2; minus strand). Cytogenetic location: 2q31.2.
Variant type: Deletion.
Coding change: c.679_681del on transcript NM_006164.5 (MANE Select); coding-DNA positions 679 to 681, 3 bases deleted (CAT; older notation c.679_681delCAT).
Protein change: p.His227del; deletes histidine 227.
Molecular consequence: inframe deletion.
Genome position (GRCh38, 1-based): chr2:177,231,922-177,231,924, ATG deleted on the plus strand (CAT on the coding strand, the reverse complement: NFE2L2 is on the minus strand); deleting any 3 consecutive bases within chr2:177,231,922-177,231,926 gives the same sequence; the c. name uses the placement nearest the transcript's 3' end. VCF-style (leftmost placement, unchanged base first): chr2-177231921-AATG-A. GRCh37 (hg19) VCF-style: chr2-178096649-AATG-A.
Other names: c.631_633del, p.His211del (NM_001145412.3, NM_001313900.1, NM_001313901.1); c.610_612del, p.His204del (NM_001145413.3); c.589_591del, p.His197del (NM_001313902.2); c.460_462del, p.His154del (NM_001313903.2); c.379_381del, p.His127del (NM_001313904.1); short protein forms H211del, H154del, H197del, H127del, H227del, H204del.
Identifiers: ClinVar variation 1901826 (VCV001901826.6), dbSNP rs1035583151, ClinGen allele CA60883520.

ClinVar aggregate classification (germline): Uncertain significance. Review status: criteria provided, multiple submitters, no conflicts (2 of 4 stars). 2 submissions from 2 submitters: Uncertain significance (2). Last evaluated 2025-09-08.

Submissions (2):

Labcorp Genetics (formerly Invitae), Labcorp
Classification: Uncertain significance. Last evaluated: 2025-09-08. Review status: criteria provided, single submitter. Criteria: Invitae Variant Classification Sherloc (09022015). Collection method: clinical testing. Allele origin: germline.
Comment: This variant, c.679_681del, results in the deletion of 1 amino acid(s) of the NFE2L2 protein (p.His227del), but otherwise preserves the integrity of the reading frame. This variant is not present in population databases (gnomAD no frequency). This variant has not been reported in the literature in individuals affected with NFE2L2-related conditions. ClinVar contains an entry for this variant (Variation ID: 1901826). Experimental studies and prediction algorithms are not available or were not evaluated, and the functional significance of this variant is currently unknown. In summary, the available evidence is currently insufficient to determine the role of this variant in disease. Therefore, it has been classified as a Variant of Uncertain Significance.

Blueprint Genetics
Classification: Uncertain significance. Last evaluated: 2018-10-18. Review status: criteria provided, single submitter. Criteria: ACMG Guidelines, 2015. Collection method: clinical testing. Allele origin: germline.